The following is an entry in ClinVar:

NM_058195.4(CDKN2A):c.133del (p.Leu45fs)

Gene: CDKN2A (cyclin dependent kinase inhibitor 2A; minus strand). Cytogenetic location: 9p21.3.
Variant type: Deletion.
Coding change: c.133del on transcript NM_058195.4 (MANE Plus Clinical); coding-DNA position 133, one base deleted (C; older notation c.133delC).
Protein change: p.Leu45fs; shifts the reading frame from leucine 45.
Molecular consequence: frameshift variant. On other transcripts: intron variant (1).
Genome position (GRCh38, 1-based): chr9:21,994,199, G deleted on the plus strand (C on the coding strand, the reverse complement: CDKN2A is on the minus strand); the first of 3 consecutive G bases (chr9:21,994,199-21,994,201); deleting any one gives the same sequence. VCF-style (leftmost placement, unchanged base first): chr9-21994198-AG-A. GRCh37 (hg19) VCF-style: chr9-21994197-AG-A.
Other names: c.133delC (NM_058195.3); c.-4+622del (NM_001363763.2); short protein forms L45fs.
Identifiers: ClinVar variation 1497229 (VCV001497229.6), dbSNP rs2131148265, ClinGen allele CA2573143670.

ClinVar aggregate classification (germline): Conflicting classifications of pathogenicity. Review status: criteria provided, conflicting classifications (1 of 4 stars). 4 submissions from 4 submitters: Pathogenic (1); Likely pathogenic (2); Uncertain significance (1). Last evaluated 2025-08-12.

Conditions:
Hereditary cancer-predisposing syndrome. Also called: Neoplastic Syndromes, Hereditary; Tumor predisposition; Hereditary Cancer Syndrome; Hereditary neoplastic syndrome. Identifiers: Orphanet 140162, MedGen C0027672, MeSH D009386, MONDO:0015356.
Familial melanoma. Also called: Hereditary melanoma; Hereditary cutaneous melanoma. Identifiers: Orphanet 618, MedGen C1512419, MONDO:0018961.
Melanoma and neural system tumor syndrome. Also called: MELANOMA-ASTROCYTOMA SYNDROME. Identifiers: Orphanet 252206, MedGen C1835042, MONDO:0007967, OMIM 155755.
Melanoma-pancreatic cancer syndrome. Identifiers: Orphanet 404560, MedGen C1838547, MONDO:0011713, OMIM 606719. Disease mechanism: loss of function.

Submissions (4):

Myriad Genetics, Inc.
Classification: Pathogenic for Melanoma-pancreatic cancer syndrome. Last evaluated: 2025-08-12. Review status: criteria provided, single submitter. Criteria: Myriad Autosomal Dominant, Autosomal Recessive and X-Linked Classification Criteria (2023). Collection method: clinical testing. Allele origin: unknown.
Comment: This variant is considered pathogenic. This variant creates a frameshift predicted to result in premature protein truncation.

Ambry Genetics
Classification: Uncertain significance for Hereditary cancer-predisposing syndrome. Last evaluated: 2025-02-20. Review status: criteria provided, single submitter. Criteria: Ambry Variant Classification Scheme 2023. Collection method: clinical testing. Allele origin: germline.
Comment: The c.133delC variant, located in coding exon 1 of the CDKN2A (p14ARF) gene, results from a deletion of one nucleotide at nucleotide position 133, causing a translational frameshift with a predicted alternate stop codon (p.L45Sfs*3). This alteration is expected to result in protein truncation or nonsense-mediated mRNA decay. However, loss of function has not been established as a mechanism of disease for the p14 isoform of CDKN2A. Based on the available evidence, the clinical significance of this alteration remains unclear.

Baylor Genetics
Classification: Likely pathogenic for Melanoma and neural system tumor syndrome. Last evaluated: 2024-02-14. Review status: criteria provided, single submitter. Criteria: ACMG Guidelines, 2015. Collection method: clinical testing. Allele origin: unknown.

Labcorp Genetics (formerly Invitae), Labcorp
Classification: Likely pathogenic for Familial melanoma. Last evaluated: 2021-12-11. Review status: criteria provided, single submitter. Criteria: Invitae Variant Classification Sherloc (09022015). Collection method: clinical testing. Allele origin: germline.
Comment: This sequence change creates a premature translational stop signal (p.Leu45Serfs*3) in the CDKN2A (p14ARF) gene. While this is not anticipated to result in nonsense mediated decay, it is expected to disrupt the last 88 amino acid(s) of the CDKN2A (p14ARF) protein. This variant is not present in population databases (gnomAD no frequency). This variant has not been reported in the literature in individuals affected with CDKN2A (p14ARF)-related conditions. This variant disrupts the nucleolar localization signal (NLS) of the CDKN2A (p14ARF) protein, which is required for its nucleolar targeting (PMID: 10871849). While functional studies have not been performed to directly test the effect of this variant on CDKN2A (p14ARF) protein function, this suggests that disruption of this region of the protein is causative of disease. In summary, the currently available evidence indicates that the variant is pathogenic, but additional data are needed to prove that conclusively. Therefore, this variant has been classified as Likely Pathogenic.

Literature cited by the submitters: PubMed 10871849 (cited by Labcorp Genetics (formerly Invitae), Labcorp).